The following is an entry in ClinVar:

ClinVar aggregate classification (germline): Uncertain significance. Review status: criteria provided, multiple submitters, no conflicts (2 of 4 stars). 2 submissions from 2 submitters: Uncertain significance (2). Last evaluated 2024-11-19.

Conditions:
Autosomal dominant limb-girdle muscular dystrophy type 1G (LGMDD3). Also called: Limb-girdle muscular dystrophy, type 1G; MUSCULAR DYSTROPHY, LIMB-GIRDLE, AUTOSOMAL DOMINANT 3. Identifiers: Orphanet 55596, MedGen C1836765, MONDO:0012193, OMIM 609115.

Allele frequency attached by ClinVar (database versions not stated): gnomAD exomes below 0.00001; ExAC 0.00001; TOPMed 0.00001.
gnomAD v4.1: 1 of 1,613,950 alleles (0.000062%); highest among the groups gnomAD compares: African/African-American, 0.0013%; no homozygotes.

Submissions (2):

Ambry Genetics
Classification: Uncertain significance. Last evaluated: 2024-11-19. Review status: criteria provided, single submitter. Criteria: Ambry Variant Classification Scheme 2023. Collection method: clinical testing. Allele origin: germline.

Labcorp Genetics (formerly Invitae), Labcorp
Classification: Uncertain significance for Autosomal dominant limb-girdle muscular dystrophy type 1G. Last evaluated: 2022-06-20. Review status: criteria provided, single submitter. Criteria: Invitae Variant Classification Sherloc (09022015). Collection method: clinical testing. Allele origin: germline.
Comment: In summary, the available evidence is currently insufficient to determine the role of this variant in disease. Therefore, it has been classified as a Variant of Uncertain Significance. Algorithms developed to predict the effect of missense changes on protein structure and function are either unavailable or do not agree on the potential impact of this missense change (SIFT: "Deleterious"; PolyPhen-2: "Possibly Damaging"; Align-GVGD: "Class C0"). This variant has not been reported in the literature in individuals affected with HNRNPDL-related conditions. This variant is present in population databases (rs758601965, gnomAD 0.007%). This sequence change replaces alanine, which is neutral and non-polar, with proline, which is neutral and non-polar, at codon 329 of the HNRNPDL protein (p.Ala329Pro).

NM_031372.4(HNRNPDL):c.985G>C (p.Ala329Pro)

Gene: HNRNPDL (heterogeneous nuclear ribonucleoprotein D like; minus strand). Cytogenetic location: 4q21.22.
Variant type: single nucleotide variant.
Coding change: c.985G>C on transcript NM_031372.4 (MANE Select); coding-DNA position 985, G replaced by C.
Protein change: p.Ala329Pro; replaces alanine 329 with proline.
Molecular consequence: missense variant. On other transcripts: non-coding transcript variant (1).
Genome position (GRCh38, 1-based): chr4:82,427,226, C>G on the plus strand (G>C on the coding strand, the complement: HNRNPDL is on the minus strand). VCF-style: chr4-82427226-C-G. GRCh37 (hg19) VCF-style: chr4-83348379-C-G.
Other names: c.985G>C, p.Ala329Pro (NM_001207000.1); c.985G>C (NM_031372.3); short protein forms A329P.
Identifiers: ClinVar variation 2414889 (VCV002414889.9), dbSNP rs758601965, ClinGen allele CA2984815.